The following is an entry in ClinVar:

ClinVar aggregate classification (germline): Uncertain significance. Review status: criteria provided, multiple submitters, no conflicts (2 of 4 stars). 2 submissions from 2 submitters: Uncertain significance (2). Last evaluated 2025-11-05.

Conditions:
Dilated cardiomyopathy 1O (CMD1O). Also called: CARDIOMYOPATHY, DILATED, WITH VENTRICULAR TACHYCARDIA. Identifiers: Orphanet 154, MedGen C1837839, MONDO:0012062, OMIM 608569.
Cardiovascular phenotype. Identifiers: MedGen CN230736.

Allele frequency attached by ClinVar (database versions not stated): TOPMed below 0.00001; gnomAD 0.00003.
gnomAD v4.1: 8 of 1,607,738 alleles (0.0005%); highest among the groups gnomAD compares: African/African-American, 0.004%; no homozygotes.

Submissions (2):

Labcorp Genetics (formerly Invitae), Labcorp
Classification: Uncertain significance for Dilated cardiomyopathy 1O. Last evaluated: 2025-11-05. Review status: criteria provided, single submitter. Criteria: Invitae Variant Classification Sherloc (09022015). Collection method: clinical testing. Allele origin: germline.
Comment: This sequence change replaces isoleucine, which is neutral and non-polar, with valine, which is neutral and non-polar, at codon 672 of the ABCC9 protein (p.Ile672Val). This variant is present in population databases (no rsID available, gnomAD 0.007%). This variant has not been reported in the literature in individuals affected with ABCC9-related conditions. ClinVar contains an entry for this variant (Variation ID: 1784449). Invitae Evidence Modeling of protein sequence and biophysical properties (such as structural, functional, and spatial information, amino acid conservation, physicochemical variation, residue mobility, and thermodynamic stability) indicates that this missense variant is not expected to disrupt ABCC9 protein function with a negative predictive value of 95%. In summary, the available evidence is currently insufficient to determine the role of this variant in disease. Therefore, it has been classified as a Variant of Uncertain Significance.

Ambry Genetics
Classification: Uncertain significance for Cardiovascular phenotype. Last evaluated: 2025-02-28. Review status: criteria provided, single submitter. Criteria: Ambry Variant Classification Scheme 2023. Collection method: clinical testing. Allele origin: germline.
Comment: The p.I672V variant (also known as c.2014A>G), located in coding exon 14 of the ABCC9 gene, results from an A to G substitution at nucleotide position 2014. The isoleucine at codon 672 is replaced by valine, an amino acid with highly similar properties. This amino acid position is well conserved in available vertebrate species. In addition, this alteration is predicted to be tolerated by in silico analysis. Since supporting evidence is limited at this time, the clinical significance of this alteration remains unclear.

NM_020297.4(ABCC9):c.2014A>G (p.Ile672Val)

Gene: ABCC9 (ATP binding cassette subfamily C member 9; minus strand). Cytogenetic location: 12p12.1.
Variant type: single nucleotide variant.
Coding change: c.2014A>G on transcript NM_020297.4 (MANE Select); coding-DNA position 2014, A replaced by G.
Protein change: p.Ile672Val; replaces isoleucine 672 with valine.
Molecular consequence: missense variant.
Genome position (GRCh38, 1-based): chr12:21,882,771, T>C on the plus strand (A>G on the coding strand, the complement: ABCC9 is on the minus strand). VCF-style: chr12-21882771-T-C. GRCh37 (hg19) VCF-style: chr12-22035705-T-C.
Other names: c.2014A>G, p.Ile672Val (NM_001377273.1, NM_005691.4); c.1150A>G, p.Ile384Val (NM_001377274.1); short protein forms I384V, I672V.
Identifiers: ClinVar variation 1784449 (VCV001784449.8), dbSNP rs1319247308, ClinGen allele CA384135020.